The following is an entry in ClinVar:

NM_000548.5(TSC2):c.4257G>T (p.Gln1419His)

Gene: TSC2 (TSC complex subunit 2; plus strand). Cytogenetic location: 16p13.3.
Variant type: single nucleotide variant.
Coding change: c.4257G>T on transcript NM_000548.5 (MANE Select); coding-DNA position 4257, G replaced by T.
Protein change: p.Gln1419His; replaces glutamine 1419 with histidine.
Molecular consequence: missense variant. On other transcripts: non-coding transcript variant (5).
Genome position (GRCh38, 1-based): chr16:2,084,479, G>T. VCF-style: chr16-2084479-G-T. GRCh37 (hg19) VCF-style: chr16-2134480-G-T.
Other names: c.4056G>T, p.Gln1352His (NM_001077183.3); c.4188G>T, p.Gln1396His (NM_001114382.3); c.3948G>T, p.Gln1316His (NM_001318827.2); c.3912G>T, p.Gln1304His (NM_001318829.2); c.3525G>T, p.Gln1175His (NM_001318831.2); c.4089G>T, p.Gln1363His (NM_001318832.2); c.4059G>T, p.Gln1353His (NM_001363528.2); c.4125G>T, p.Gln1375His (NM_001370404.1); and 26 more; short protein forms Q1153H, Q1303H, Q1315H, Q1346H, Q1352H, Q1376H, Q1383H, Q1152H.
Identifiers: ClinVar variation 5031308 (VCV005031308.1).
Genomic context (GRCh38, chr16:2,084,479, plus strand): 5'-GGACCCTGGGGACAAGGCCGACGTGGGCCGGCTGAGCCCTGAGGTTAAGGCCCGGTCACA[G>T]TCAGGGACCCTGGACGGGGAAAGTGCTGCCTGGTCGGCCTCGGGCGAAGACAGTCGGGGC-3'
Protein context (NP_000539.2, residues 1409-1429): RLSPEVKARS[Gln1419His]SGTLDGESAA

ClinVar aggregate classification (germline): Uncertain significance (1 of 4 stars; one submission).

Conditions:
Hereditary cancer-predisposing syndrome. Also called: Neoplastic Syndromes, Hereditary; Tumor predisposition; Hereditary neoplastic syndrome; Hereditary Cancer Syndrome. Identifiers: Orphanet 140162, MedGen C0027672, MeSH D009386, MONDO:0015356.

Submission:

Ambry Genetics
Classification: Uncertain significance for Hereditary cancer-predisposing syndrome. Last evaluated: 2026-07-01. Review status: criteria provided, single submitter. Criteria: Ambry Variant Classification Scheme 2023. Collection method: clinical testing. Allele origin: germline.
Comment: The p.Q1419H variant (also known as c.4257G>T), located in coding exon 33 of the TSC2 gene, results from a G to T substitution at nucleotide position 4257. The glutamine at codon 1419 is replaced by histidine, an amino acid with highly similar properties. This amino acid position is well conserved in available vertebrate species. In addition, the in silico prediction for this alteration is inconclusive. Based on the available evidence, the clinical significance of this variant remains unclear.